The following is an entry in ClinVar:

NM_001367624.2(ZNF469):c.8469C>G (p.Asp2823Glu)

Gene: ZNF469 (zinc finger protein 469; plus strand). Cytogenetic location: 16q24.2.
Variant type: single nucleotide variant.
Coding change: c.8469C>G on transcript NM_001367624.2 (MANE Select); coding-DNA position 8469, C replaced by G.
Protein change: p.Asp2823Glu; replaces aspartic acid 2823 with glutamic acid.
Molecular consequence: missense variant.
Genome position (GRCh38, 1-based): chr16:88,435,939, C>G. VCF-style: chr16-88435939-C-G. GRCh37 (hg19) VCF-style: chr16-88502347-C-G.
Other names: NM_001127464.1:c.8385C>G; short protein forms D2823E.
Identifiers: ClinVar variation 4866958 (VCV004866958.1).

ClinVar aggregate classification (germline): Uncertain significance (1 of 4 stars; one submission).

Conditions:
Cardiovascular phenotype. Identifiers: MedGen CN230736.

gnomAD v4.1: 4 of 1,550,034 alleles (0.00026%); highest among the groups gnomAD compares: African/African-American, 0.0041%; no homozygotes.

Submission:

Ambry Genetics
Classification: Uncertain significance for Cardiovascular phenotype. Last evaluated: 2026-05-18. Review status: criteria provided, single submitter. Criteria: Ambry Variant Classification Scheme 2023. Collection method: clinical testing. Allele origin: germline.
Comment: The p.D2795E variant (also known as c.8385C>G), located in coding exon 2 of the ZNF469 gene, results from a C to G substitution at nucleotide position 8385. The aspartic acid at codon 2795 is replaced by glutamic acid, an amino acid with highly similar properties. This amino acid position is conserved. In addition, this alteration is predicted to be tolerated by in silico analysis. Based on the available evidence, the clinical significance of this variant remains unclear.